The following is an entry in ClinVar:

NM_001164508.2(NEB):c.7722G>T (p.Met2574Ile)

Gene: NEB (nebulin; minus strand). Cytogenetic location: 2q23.3.
Variant type: single nucleotide variant.
Coding change: c.7722G>T on transcript NM_001164508.2 (MANE Select); coding-DNA position 7722, G replaced by T.
Protein change: p.Met2574Ile; replaces methionine 2574 with isoleucine.
Molecular consequence: missense variant.
Genome position (GRCh38, 1-based): chr2:151,644,052, C>A on the plus strand (G>T on the coding strand, the complement: NEB is on the minus strand). VCF-style: chr2-151644052-C-A. GRCh37 (hg19) VCF-style: chr2-152500566-C-A.
Other names: c.7722G>T (NM_004543.4); c.7722G>T, p.Met2574Ile (NM_001164507.2, NM_001271208.2, NM_004543.5); short protein forms M2574I.
Identifiers: ClinVar variation 424233 (VCV000424233.7), dbSNP rs748066063, ClinGen allele CA1909769.
Genomic context (GRCh38, chr2:151,644,052, plus strand): 5'-CTCAAAGTCCTTCTTGTACTCCCTGTCACTCTGGATCTTGGCCACATGCATGGACCACAT[C>A]ATCTTGGGGTCATCTTCAATGTTCCGGGCACCAATGTGGTGGCCGAGCTGCTTGCGAAAG-3'
Protein context (NP_001157980.2, residues 2564-2584): GARNIEDDPK[Met2574Ile]MWSMHVAKIQ

ClinVar aggregate classification (germline): Uncertain significance. Review status: criteria provided, multiple submitters, no conflicts (2 of 4 stars). 4 submissions from 4 submitters: Uncertain significance (3). 1 of the submissions does not count toward it. Last evaluated 2025-08-29.

Conditions:
Inborn genetic diseases. Identifiers: MedGen C0950123, MeSH D030342.
Nemaline myopathy 2 (NEM2). Also called: Nemaline myopathy 2, autosomal recessive. Identifiers: MedGen C1850569, MONDO:0009725, OMIM 256030.

Allele frequency attached by ClinVar (database versions not stated): gnomAD 0.00001; gnomAD exomes 0.00001 and below 0.00001; ExAC 0.00002; TOPMed 0.00004.
gnomAD v4.1: 8 of 1,613,854 alleles (0.0005%); highest among the groups gnomAD compares: Admixed American, 0.0017%; no homozygotes.

Submissions (4):

Ambry Genetics
Classification: Uncertain significance for Inborn genetic diseases. Last evaluated: 2025-08-29. Review status: criteria provided, single submitter. Criteria: Ambry Variant Classification Scheme 2023. Collection method: clinical testing. Allele origin: germline.

Revvity Omics, Revvity
Classification: Uncertain significance. Last evaluated: 2023-03-02. Review status: criteria provided, single submitter. Criteria: ACMG Guidelines, 2015. Collection method: clinical testing. Allele origin: germline.

GeneDx
Classification: Uncertain significance. Last evaluated: 2017-03-15. Review status: criteria provided, single submitter. Criteria: GeneDx Variant Classification (06012015). Collection method: clinical testing. Allele origin: germline. Affected: yes.
Comment: The M2574I variant has not been published as a pathogenic variant, nor has it been reported as a benign variant to our knowledge. The M2574I variant is not observed at a significant frequency in large population cohorts (Lek et al., 2016; 1000 Genomes Consortium et al., 2015; Exome Variant Server). The M2574I variant is a conservative amino acid substitution, which is not likely to impact secondary protein structure as these residues share similar properties. This substitution occurs at a position where amino acids with similar properties to Methionine are tolerated across species. In silico analysis is inconsistent in its predictions as to whether or not the variant is damaging to the protein structure/function. Based on the currently available information, it is unclear whether this variant is a pathogenic variant or a rare benign variant.

Natera, Inc.
Classification: Uncertain significance for Nemaline myopathy type 2. Last evaluated: 2019-11-11. Review status: no assertion criteria provided. Collection method: clinical testing. Allele origin: germline. Not counted in ClinVar's aggregate classification.